The following is an entry in ClinVar:

ClinVar aggregate classification (germline): Pathogenic (1 of 4 stars; one submission).

Conditions:
Brown-Vialetto-van Laere syndrome 1. Also called: BULBAR PALSY, PROGRESSIVE, WITH SENSORINEURAL DEAFNESS; PONTOBULBAR PALSY WITH DEAFNESS; BROWN-VIALETTO-VAN LAERE SYNDROME 1, MILD. Identifiers: Orphanet 572550, Orphanet 97229, MedGen C0796274, MONDO:0024537, OMIM 211530.

Submission:

Labcorp Genetics (formerly Invitae), Labcorp
Classification: Pathogenic for Brown-Vialetto-van Laere syndrome 1. Last evaluated: 2025-02-20. Review status: criteria provided, single submitter. Criteria: Invitae Variant Classification Sherloc (09022015). Collection method: clinical testing. Allele origin: germline.
Comment: This sequence change creates a premature translational stop signal (p.Ala107Argfs*39) in the SLC52A3 gene. It is expected to result in an absent or disrupted protein product. Loss-of-function variants in SLC52A3 are known to be pathogenic (PMID: 20206331, 22824638, 25462087). This variant is not present in population databases (gnomAD no frequency). This variant has not been reported in the literature in individuals affected with SLC52A3-related conditions. For these reasons, this variant has been classified as Pathogenic.

Literature cited by the submitters: PubMed 20206331; PubMed 22824638; PubMed 25462087.

NM_033409.4(SLC52A3):c.317dup (p.Ala107fs)

Gene: SLC52A3 (solute carrier family 52 member 3; minus strand). Cytogenetic location: 20p13.
Variant type: Duplication.
Coding change: c.317dup on transcript NM_033409.4 (MANE Select); coding-DNA position 317, one base duplicated (T; older notation c.317dupT).
Protein change: p.Ala107fs; shifts the reading frame from alanine 107.
Molecular consequence: frameshift variant.
Genome position (GRCh38, 1-based): chr20:765,458, A duplicated on the plus strand (T on the coding strand, the reverse complement: SLC52A3 is on the minus strand). VCF-style (leftmost placement, unchanged base first): chr20-765457-G-GA. GRCh37 (hg19) VCF-style: chr20-746101-G-GA.
Other names: c.317dup, p.Ala107fs (NM_001370086.1, NM_001370085.1); short protein forms A107fs.
Identifiers: ClinVar variation 4712184 (VCV004712184.1).
Genomic context (GRCh38, chr20:765,457, plus strand): 5'-GAAGGTCACTGAAGAGGTGCAGTCCACCAGGGCCAGGAAGAAGGTGAGGACCAAGAAGGC[G>GA]ATGCTGTGGTGGCCGTCCAGCACCCAGGAGGTCATATTCCAGAGGAAGGCAAAGATGATG-3'